The following is an entry in ClinVar:

ClinVar aggregate classification (germline): Pathogenic (1 of 4 stars; one submission).

Submission:

Labcorp Genetics (formerly Invitae), Labcorp
Classification: Pathogenic. Last evaluated: 2025-11-23. Review status: criteria provided, single submitter. Criteria: Invitae Variant Classification Sherloc (09022015). Collection method: clinical testing. Allele origin: germline.
Comment: This sequence change creates a premature translational stop signal (p.Tyr844Leufs*23) in the COL4A4 gene. It is expected to result in an absent or disrupted protein product. Loss-of-function variants in COL4A4 are known to be pathogenic (PMID: 21196518, 24854265, 25307543). This variant is not present in population databases (gnomAD no frequency). This variant has not been reported in the literature in individuals affected with COL4A4-related conditions. ClinVar contains an entry for this variant (Variation ID: 1359803). For these reasons, this variant has been classified as Pathogenic.

Literature cited by the submitters: PubMed 21196518; PubMed 24854265; PubMed 25307543.

NM_000092.5(COL4A4):c.2531_2537del (p.Tyr844fs)

Gene: COL4A4 (collagen type IV alpha 4 chain; minus strand). Cytogenetic location: 2q36.3.
Variant type: Deletion.
Coding change: c.2531_2537del on transcript NM_000092.5 (MANE Select); coding-DNA positions 2531 to 2537, 7 bases deleted (ATCCAGG; older notation c.2531_2537delATCCAGG).
Protein change: p.Tyr844fs; shifts the reading frame from tyrosine 844.
Molecular consequence: frameshift variant.
Genome position (GRCh38, 1-based): chr2:227,057,447-227,057,453, CCTGGAT deleted on the plus strand (ATCCAGG on the coding strand, the reverse complement: COL4A4 is on the minus strand). VCF-style (leftmost placement, unchanged base first): chr2-227057446-ACCTGGAT-A. GRCh37 (hg19) VCF-style: chr2-227922162-ACCTGGAT-A.
Other names: short protein forms Y844fs.
Identifiers: ClinVar variation 1359803 (VCV001359803.6), dbSNP rs2150249648, ClinGen allele CA2573135645.